The following is an entry in ClinVar:

NM_003060.4(SLC22A5):c.1531G>C (p.Glu511Gln)

Gene: SLC22A5 (solute carrier family 22 member 5; plus strand). Cytogenetic location: 5q31.1.
Variant type: single nucleotide variant.
Coding change: c.1531G>C on transcript NM_003060.4 (MANE Select); coding-DNA position 1531, G replaced by C.
Protein change: p.Glu511Gln; replaces glutamic acid 511 with glutamine.
Molecular consequence: missense variant.
Genome position (GRCh38, 1-based): chr5:132,393,756, G>C. VCF-style: chr5-132393756-G-C. GRCh37 (hg19) VCF-style: chr5-131729448-G-C.
Other names: c.1603G>C, p.Glu535Gln (NM_001308122.2); short protein forms E511Q, E535Q.
Identifiers: ClinVar variation 1941143 (VCV001941143.6), dbSNP rs1752784868, ClinGen allele CA360809876.

ClinVar aggregate classification (germline): Conflicting classifications of pathogenicity. Review status: criteria provided, conflicting classifications (1 of 4 stars). 2 submissions from 2 submitters: Likely pathogenic (1); Uncertain significance (1). Last evaluated 2025-05-12.

Conditions:
Renal carnitine transport defect (CDSP). Also called: Primary carnitine deficiency; Systemic primary carnitine deficiency; Carnitine transporter deficiency; Carnitine Deficiency, Systemic; Systemic primary carnitine deficiency disease; CARNITINE DEFICIENCY, SYSTEMIC, DUE TO DEFECT IN RENAL REABSORPTION OF CARNITINE. Identifiers: Orphanet 158, MedGen C0342788, MONDO:0008919, OMIM 212140.

Allele frequency attached by ClinVar (database versions not stated): gnomAD exomes below 0.00001; TOPMed below 0.00001.
gnomAD v4.1: 1 of 1,614,136 alleles (0.000062%); highest among the groups gnomAD compares: Non-Finnish European, 0.000085%; no homozygotes.

Submissions (2):

Women's Health and Genetics/Laboratory Corporation of America, LabCorp
Classification: Uncertain significance. Last evaluated: 2025-05-12. Review status: criteria provided, single submitter. Criteria: LabCorp Variant Classification Summary - May 2015. Collection method: clinical testing. Allele origin: germline.
Comment: Variant summary: SLC22A5 c.1531G>C (p.Glu511Gln) results in a conservative amino acid change in the encoded protein sequence. Algorithms developed to predict the effect of missense changes on protein structure and function are either unavailable or do not agree on the potential impact of this missense change. The variant was absent in 251442 control chromosomes. c.1531G>C has been observed in individual(s) affected with Systemic Primary Carnitine Deficiency (example: Schiergens_2021). These data indicate that the variant may be associated with disease. To our knowledge, no experimental evidence demonstrating an impact on protein function has been reported. The following publication has been ascertained in the context of this evaluation (PMID: 34178604). ClinVar contains an entry for this variant (Variation ID: 1941143). Based on the evidence outlined above, the variant was classified as VUS-possibly pathogenic.

Labcorp Genetics (formerly Invitae), Labcorp
Classification: Likely pathogenic for Renal carnitine transport defect. Last evaluated: 2022-10-18. Review status: criteria provided, single submitter. Criteria: Invitae Variant Classification Sherloc (09022015). Collection method: clinical testing. Allele origin: germline.
Comment: This sequence change replaces glutamic acid, which is acidic and polar, with glutamine, which is neutral and polar, at codon 511 of the SLC22A5 protein (p.Glu511Gln). This variant is not present in population databases (gnomAD no frequency). In summary, the currently available evidence indicates that the variant is pathogenic, but additional data are needed to prove that conclusively. Therefore, this variant has been classified as Likely Pathogenic. Algorithms developed to predict the effect of sequence changes on RNA splicing suggest that this variant may disrupt the consensus splice site. Advanced modeling of protein sequence and biophysical properties (such as structural, functional, and spatial information, amino acid conservation, physicochemical variation, residue mobility, and thermodynamic stability) performed at Invitae indicates that this missense variant is expected to disrupt SLC22A5 protein function. This missense change has been observed in individual(s) with clinical features of primary carnitine deficiency (PMID: 34178604).

Literature cited by the submitters: PubMed 34178604 (cited by Women's Health and Genetics/Laboratory Corporation of America, LabCorp and Labcorp Genetics (formerly Invitae), Labcorp).